The following is an entry in ClinVar:

NC_000003.12:g.5349869_5396688del

Genes: LOC111501788 (MED14-independent group 3 enhancer GRCh37_chr3:5390480-5391679; plus strand), LOC129936102 (ATAC-STARR-seq lymphoblastoid active region 19385; plus strand). Cytogenetic location: 3p26.1.
Variant type: Deletion.
Identifiers: ClinVar variation 156839 (VCV000156839.3).

ClinVar aggregate classification (germline): not provided (0 of 4 stars; one submission).

Conditions:
Normal pregnancy. Identifiers: MedGen C0232989.

Submission:

Institute of Molecular and Cell Biology, University of Tartu
No classification provided. Condition: Normal pregnancy. Review status: no classification provided. Collection method: case-control. Allele origin: unknown. Affected: yes. Study: Kasak2014.
Comment: The study aimed to determine the contribution of copy number variants in the genetic etiology of normal and complicated pregnancies. The samples represented (i) maternal blood DNA drawn from healthy pregnant women during 1st or 2nd trimester and (ii) maternal and paternal blood DNA drawn at term pregnancy cases representing normal and complicated gestations (severe preeclampsia, PE; gestational diabetes, GD; small-for-gestational age newborn, SGA; large-for-gestational age newborn, LGA). We performed CNV calling based on genome-wide genotyping dataset (Illumina HumanOmniExpress-24-v1 BeadChip) by applying three algorithms, QuantiSNP, GADA (Genome Alteration Detection Algorithm) and CNstream in parallel. The acquired CNV calls were merged with HD-CNV (Hotspot Detector for Copy Number Variants) program and only the CNVs predicted by at least two programs, were considered in subsequent analysis.

Literature cited by the submitters: PubMed 25666259.